The following is an entry in ClinVar:

ClinVar aggregate classification (germline): Uncertain significance (1 of 4 stars; one submission).

Conditions:
2-aminoadipic 2-oxoadipic aciduria (AAKAD). Also called: Aminoadipic aciduria; ALPHA-AMINOADIPIC AND ALPHA-KETOADIPIC ACIDURIA. Identifiers: Orphanet 79154, MedGen C1859817, MONDO:0008774, OMIM 204750.

gnomAD v4.1: 3 of 1,613,894 alleles (0.00019%); highest among the groups gnomAD compares: Non-Finnish European, 0.00025%; no homozygotes.

Submission:

Labcorp Genetics (formerly Invitae), Labcorp
Classification: Uncertain significance for 2-aminoadipic 2-oxoadipic aciduria. Last evaluated: 2025-12-02. Review status: criteria provided, single submitter. Criteria: Invitae Variant Classification Sherloc (09022015). Collection method: clinical testing. Allele origin: germline.
Comment: This sequence change replaces asparagine, which is neutral and polar, with isoleucine, which is neutral and non-polar, at codon 294 of the DHTKD1 protein (p.Asn294Ile). This variant is not present in population databases (gnomAD no frequency). This variant has not been reported in the literature in individuals affected with DHTKD1-related conditions. Invitae Evidence Modeling of protein sequence and biophysical properties (such as structural, functional, and spatial information, amino acid conservation, physicochemical variation, residue mobility, and thermodynamic stability) indicates that this missense variant is expected to disrupt DHTKD1 protein function with a positive predictive value of 80%. In summary, the available evidence is currently insufficient to determine the role of this variant in disease. Therefore, it has been classified as a Variant of Uncertain Significance.

NM_018706.7(DHTKD1):c.881A>T (p.Asn294Ile)

Gene: DHTKD1 (dehydrogenase E1 and transketolase domain containing 1; plus strand). Cytogenetic location: 10p14.
Variant type: single nucleotide variant.
Coding change: c.881A>T on transcript NM_018706.7 (MANE Select); coding-DNA position 881, A replaced by T.
Protein change: p.Asn294Ile; replaces asparagine 294 with isoleucine.
Molecular consequence: missense variant.
Genome position (GRCh38, 1-based): chr10:12,089,149, A>T. VCF-style: chr10-12089149-A-T. GRCh37 (hg19) VCF-style: chr10-12131148-A-T.
Other names: short protein forms N294I.
Identifiers: ClinVar variation 4754687 (VCV004754687.1).